The following is an entry in ClinVar:

ClinVar aggregate classification (germline): Uncertain significance (1 of 4 stars; one submission).

gnomAD v4.1: 6 of 1,613,016 alleles (0.00037%); highest among the groups gnomAD compares: Admixed American, 0.0033%; no homozygotes.

Submission:

GeneDx
Classification: Uncertain significance. Last evaluated: 2024-08-30. Review status: criteria provided, single submitter. Criteria: GeneDx Variant Classification Process June 2021. Collection method: clinical testing. Allele origin: germline. Affected: yes.
Comment: Not observed at significant frequency in large population cohorts (gnomAD); In silico analysis supports that this missense variant has a deleterious effect on protein structure/function; Has not been previously published as pathogenic or benign to our knowledge

NM_058004.4(PI4KA):c.1999G>A (p.Gly667Arg)

Gene: PI4KA (phosphatidylinositol 4-kinase alpha; minus strand). Cytogenetic location: 22q11.21.
Variant type: single nucleotide variant.
Coding change: c.1999G>A on transcript NM_058004.4 (MANE Select); coding-DNA position 1999, G replaced by A.
Protein change: p.Gly667Arg; replaces glycine 667 with arginine.
Molecular consequence: missense variant.
Genome position (GRCh38, 1-based): chr22:20,799,098, C>T on the plus strand (G>A on the coding strand, the complement: PI4KA is on the minus strand). VCF-style: chr22-20799098-C-T. GRCh37 (hg19) VCF-style: chr22-21153386-C-T.
Other names: c.1999G>A, p.Gly667Arg (NM_001362862.2); c.1933G>A, p.Gly645Arg (NM_001362863.2); short protein forms G645R, G667R.
Identifiers: ClinVar variation 3765948 (VCV003765948.1).